The following is an entry in ClinVar:

ClinVar aggregate classification (germline): Uncertain significance (1 of 4 stars; one submission).

Conditions:
Epilepsy, familial focal, with variable foci 1 (FFEVF1). Also called: DEPDC5-Related Epilepsy. Identifiers: MedGen C4551983, MONDO:0024556, OMIM 604364.

Submission:

Neuberg Centre For Genomic Medicine, NCGM
Classification: Uncertain significance for Epilepsy, familial focal, with variable foci 1. Last evaluated: 2023-05-20. Review status: criteria provided, single submitter. Criteria: ACMG Guidelines, 2015. Collection method: clinical testing. Allele origin: germline. Inheritance: Autosomal dominant inheritance. Affected: yes.
Comment: The missense variant c.2189C>A (p.Pro730His) in the DEPDC5 gene has not been reported previously as a pathogenic variant nor as a benign variant, to our knowledge. The variant is absent in the gnomAD Exomes. The amino acid Proline at position 730 is changed to a Histidine changing protein sequence and it might alter its composition and physico- chemical properties. Computational evidence (Polyphen, SIFT and MutationTaster) predicts conflicting evidence on protein structure and function for this variant. The amino acid change p.Pro730His in DEPDC5 is predicted as conserved by GERP++ and PhyloP across 100 vertebrates. For these reasons, this variant has been classified as Uncertain Significance.

NM_001242896.3(DEPDC5):c.2189C>A (p.Pro730His)

Gene: DEPDC5 (DEP domain containing 5, GATOR1 subcomplex subunit; plus strand). Cytogenetic location: 22q12.3.
Variant type: single nucleotide variant.
Coding change: c.2189C>A on transcript NM_001242896.3 (MANE Select); coding-DNA position 2189, C replaced by A.
Protein change: p.Pro730His; replaces proline 730 with histidine.
Molecular consequence: missense variant. On other transcripts: non-coding transcript variant (4), intron variant (3).
Genome position (GRCh38, 1-based): chr22:31,836,990, C>A. VCF-style: chr22-31836990-C-A. GRCh37 (hg19) VCF-style: chr22-32232976-C-A.
Other names: c.1955C>A, p.Pro652His (NM_001242897.2, NM_001363854.2, NM_001364319.2); c.2189C>A, p.Pro730His (NM_001363852.2, NM_001364318.2, NM_001364320.2); c.2105C>A, p.Pro702His (NM_001369901.1, NM_001369902.1); c.2171-9C>A (NM_001136029.4, NM_014662.6, NM_001369903.1); short protein forms P652H, P702H, P730H.
Identifiers: ClinVar variation 3341342 (VCV003341342.1).